The following is an entry in ClinVar:

ClinVar aggregate classification (germline): Conflicting classifications of pathogenicity. Review status: criteria provided, conflicting classifications (1 of 4 stars). 5 submissions from 5 submitters: Uncertain significance (4); Likely benign (1). Last evaluated 2025-10-01.

Conditions:
Anterior segment dysgenesis 3 (ASGD3). Also called: IRIDOGONIODYSGENESIS ANOMALY, AUTOSOMAL DOMINANT; Glaucoma iridogoniodysplasia, familial. Identifiers: Orphanet 91483, MedGen C5975707, MONDO:0024456, OMIM 601631.
Axenfeld-Rieger syndrome type 3 (RIEG3). Also called: AXENFELD-RIEGER ANOMALY WITH CARDIAC DEFECTS AND/OR SENSORINEURAL HEARING LOSS. Identifiers: Orphanet 782, MedGen C2678503, MONDO:0011233, OMIM 602482.

Submissions (5):

Labcorp Genetics (formerly Invitae), Labcorp
Classification: Uncertain significance for Axenfeld-Rieger syndrome type 3. Last evaluated: 2025-10-01. Review status: criteria provided, single submitter. Criteria: Invitae Variant Classification Sherloc (09022015). Collection method: clinical testing. Allele origin: germline.
Comment: This variant, c.593_610del, results in the deletion of 6 amino acid(s) of the FOXC1 protein (p.Gly198_Pro203del), but otherwise preserves the integrity of the reading frame. The frequency data for this variant in the population databases is considered unreliable, as metrics indicate poor data quality at this position in the gnomAD database. This variant has not been reported in the literature in individuals affected with FOXC1-related conditions. ClinVar contains an entry for this variant (Variation ID: 287385). Experimental studies and prediction algorithms are not available or were not evaluated, and the functional significance of this variant is currently unknown. In summary, the available evidence is currently insufficient to determine the role of this variant in disease. Therefore, it has been classified as a Variant of Uncertain Significance.

Blueprint Genetics
Classification: Likely benign. Last evaluated: 2024-10-23. Review status: criteria provided, single submitter. Criteria: ACMG Guidelines, 2015. Collection method: clinical testing. Allele origin: germline.

Revvity Omics, Revvity
Classification: Uncertain significance. Last evaluated: 2023-11-22. Review status: criteria provided, single submitter. Criteria: ACMG Guidelines, 2015. Collection method: clinical testing. Allele origin: germline.

Fulgent Genetics
Classification: Uncertain significance for Anterior segment dysgenesis 3; Axenfeld-Rieger syndrome type 3. Last evaluated: 2021-10-27. Review status: criteria provided, single submitter. Criteria: ACMG Guidelines, 2015. Collection method: clinical testing. Allele origin: unknown.

Eurofins Ntd Llc (ga)
Classification: Uncertain significance. Last evaluated: 2016-05-17. Review status: criteria provided, single submitter. Criteria: EGL Classification Definitions 2015. Collection method: clinical testing. Allele origin: germline. Observed: 1 variant allele, 1 heterozygote.

NM_001453.3(FOXC1):c.593_610del (p.Gly198_Pro203del)

Gene: FOXC1 (forkhead box C1; plus strand). Cytogenetic location: 6p25.3.
Variant type: Deletion.
Coding change: c.593_610del on transcript NM_001453.3 (MANE Select); coding-DNA positions 593 to 610, 18 bases deleted (GCCGCCAGCCCCCGCCCG).
Protein change: p.Gly198_Pro203del.
Molecular consequence: inframe deletion.
Genome position (GRCh38, 1-based): chr6:1,611,038-1,611,055, GCCGCCAGCCCCCGCCCG deleted; deleting any 18 consecutive bases within chr6:1,611,027-1,611,055 gives the same sequence; the c. name uses the placement nearest the transcript's 3' end. VCF-style (leftmost placement, unchanged base first): chr6-1611026-CGCCCCCGCCCGGCCGCCA-C. GRCh37 (hg19) VCF-style: chr6-1611261-CGCCCCCGCCCGGCCGCCA-C.
Identifiers: ClinVar variation 287385 (VCV000287385.10), dbSNP rs567719270, ClinGen allele CA3614790.